The following is an entry in ClinVar:

ClinVar aggregate classification (germline): Uncertain significance (1 of 4 stars; one submission).

gnomAD v4.1: 1 of 1,293,192 alleles (0.000077%); no homozygotes.

Submission:

Ambry Genetics
Classification: Uncertain significance. Last evaluated: 2025-03-25. Review status: criteria provided, single submitter. Criteria: Ambry Variant Classification Scheme 2023. Collection method: clinical testing. Allele origin: germline.
Comment: The p.Q39H variant (also known as c.117G>T), located in coding exon 1 of the WNK2 gene, results from a G to T substitution at nucleotide position 117. The glutamine at codon 39 is replaced by histidine, an amino acid with highly similar properties. This amino acid position is conserved. In addition, this alteration is predicted to be tolerated by in silico analysis. Based on the available evidence, the clinical significance of this variant remains unclear.

NM_006648.4(WNK2):c.117G>T (p.Gln39His)

Gene: WNK2 (WNK lysine deficient protein kinase 2; plus strand). Cytogenetic location: 9q22.31.
Variant type: single nucleotide variant.
Coding change: c.117G>T on transcript NM_006648.4 (MANE Select); coding-DNA position 117, G replaced by T.
Protein change: p.Gln39His; replaces glutamine 39 with histidine.
Molecular consequence: missense variant.
Genome position (GRCh38, 1-based): chr9:93,185,046, G>T. VCF-style: chr9-93185046-G-T. GRCh37 (hg19) VCF-style: chr9-95947328-G-T.
Other names: c.117G>T, p.Gln39His (NM_001282394.3); short protein forms Q39H.
Identifiers: ClinVar variation 3981712 (VCV003981712.1).